The following is an entry in ClinVar:

ClinVar aggregate classification (germline): Uncertain significance (1 of 4 stars; one submission).

Conditions:
Periodic fever-infantile enterocolitis-autoinflammatory syndrome. Also called: Autoinflammation with infantile enterocolitis. Identifiers: Orphanet 436166, MedGen C4015067, MONDO:0014472, OMIM 616050.
Familial cold autoinflammatory syndrome 4 (FCAS4). Identifiers: Orphanet 47045, Orphanet 576349, MedGen C4015276, MONDO:0014498, OMIM 616115.

Allele frequency attached by ClinVar (database versions not stated): gnomAD exomes below 0.00001.
gnomAD v4.1: 1 of 1,614,190 alleles (0.000062%); highest among the groups gnomAD compares: Non-Finnish European, 0.000085%; no homozygotes.

Submission:

Labcorp Genetics (formerly Invitae), Labcorp
Classification: Uncertain significance for Periodic fever-infantile enterocolitis-autoinflammatory syndrome; Familial cold autoinflammatory syndrome 4. Last evaluated: 2020-12-04. Review status: criteria provided, single submitter. Criteria: Invitae Variant Classification Sherloc (09022015). Collection method: clinical testing. Allele origin: germline.
Comment: This variant is not present in population databases (ExAC no frequency). This sequence change creates a premature translational stop signal (p.Trp888*) in the NLRC4 gene. It is expected to result in an absent or disrupted protein product. This variant has not been reported in the literature in individuals with NLRC4-related conditions. In summary, the available evidence is currently insufficient to determine the role of this variant in disease. Therefore, it has been classified as a Variant of Uncertain Significance. The current clinical and genetic evidence is not sufficient to establish whether loss-of-function variants in NLRC4 cause disease. Algorithms developed to predict the effect of sequence changes on RNA splicing suggest that this variant may create or strengthen a splice site, but this prediction has not been confirmed by published transcriptional studies.

NM_001199138.2(NLRC4):c.2663G>A (p.Trp888Ter)

Gene: NLRC4 (NLR family CARD domain containing 4; minus strand). Cytogenetic location: 2p22.3.
Variant type: single nucleotide variant.
Coding change: c.2663G>A on transcript NM_001199138.2 (MANE Select); coding-DNA position 2663, G replaced by A.
Protein change: p.Trp888Ter; replaces tryptophan 888 with a stop codon.
Molecular consequence: nonsense.
Genome position (GRCh38, 1-based): chr2:32,235,520, C>T on the plus strand (G>A on the coding strand, the complement: NLRC4 is on the minus strand). VCF-style: chr2-32235520-C-T. GRCh37 (hg19) VCF-style: chr2-32460589-C-T.
Other names: c.2663G>A, p.Trp888Ter (NM_001199139.2, NM_021209.5); c.668G>A, p.Trp223Ter (NM_001302504.2); short protein forms W223*, W888*.
Identifiers: ClinVar variation 962419 (VCV000962419.7), dbSNP rs1686652685, ClinGen allele CA346520814.